The following is an entry in ClinVar:

NM_000222.3(KIT):c.395C>T (p.Thr132Met)

Gene: KIT (KIT proto-oncogene, receptor tyrosine kinase; plus strand). Cytogenetic location: 4q12.
Variant type: single nucleotide variant.
Coding change: c.395C>T on transcript NM_000222.3 (MANE Select); coding-DNA position 395, C replaced by T.
Protein change: p.Thr132Met; replaces threonine 132 with methionine.
Molecular consequence: missense variant.
Genome position (GRCh38, 1-based): chr4:54,698,341, C>T. VCF-style: chr4-54698341-C-T. GRCh37 (hg19) VCF-style: chr4-55564507-C-T.
Other names: c.395C>T, p.Thr132Met (NM_001093772.2, NM_001385284.1, NM_001385285.1 and 4 more transcripts); short protein forms T132M.
Identifiers: ClinVar variation 528574 (VCV000528574.10), dbSNP rs766253584, ClinGen allele CA2923237.

ClinVar aggregate classification (germline): Uncertain significance. Review status: criteria provided, multiple submitters, no conflicts (2 of 4 stars). 2 submissions from 2 submitters: Uncertain significance (2). Last evaluated 2025-04-21.

Conditions:
Gastrointestinal stromal tumor. Also called: Gastrointestinal stroma tumor; Gastrointestinal stromal tumor, somatic. Identifiers: Orphanet 44890, MedGen C0238198, MeSH D046152, MONDO:0011719, OMIM 606764, HP:0100723.
Hereditary cancer-predisposing syndrome. Also called: Tumor predisposition; Hereditary neoplastic syndrome; Hereditary Cancer Syndrome; Neoplastic Syndromes, Hereditary. Identifiers: Orphanet 140162, MedGen C0027672, MeSH D009386, MONDO:0015356.

Allele frequency attached by ClinVar (database versions not stated): TOPMed below 0.00001; ExAC 0.00001; gnomAD 0.00001; gnomAD exomes 0.00001.

Submissions (2):

Ambry Genetics
Classification: Uncertain significance for Hereditary cancer-predisposing syndrome. Last evaluated: 2025-04-21. Review status: criteria provided, single submitter. Criteria: Ambry Variant Classification Scheme 2023. Collection method: clinical testing. Allele origin: germline.
Comment: The p.T132M variant (also known as c.395C>T), located in coding exon 3 of the KIT gene, results from a C to T substitution at nucleotide position 395. The threonine at codon 132 is replaced by methionine, an amino acid with similar properties. This amino acid position is not well conserved in available vertebrate species. In addition, this alteration is predicted to be tolerated by in silico analysis. Based on the available evidence, the clinical significance of this variant remains unclear.

Labcorp Genetics (formerly Invitae), Labcorp
Classification: Uncertain significance for Gastrointestinal stromal tumor. Last evaluated: 2024-07-31. Review status: criteria provided, single submitter. Criteria: Invitae Variant Classification Sherloc (09022015). Collection method: clinical testing. Allele origin: germline.
Comment: This sequence change replaces threonine, which is neutral and polar, with methionine, which is neutral and non-polar, at codon 132 of the KIT protein (p.Thr132Met). This variant is present in population databases (rs766253584, gnomAD 0.007%). This variant has not been reported in the literature in individuals affected with KIT-related conditions. ClinVar contains an entry for this variant (Variation ID: 528574). An algorithm developed to predict the effect of missense changes on protein structure and function (PolyPhen-2) suggests that this variant is likely to be disruptive. In summary, the available evidence is currently insufficient to determine the role of this variant in disease. Therefore, it has been classified as a Variant of Uncertain Significance.